The following is an entry in ClinVar:

NM_181882.3(PRX):c.2293G>T (p.Asp765Tyr)

Gene: PRX (periaxin; minus strand). Cytogenetic location: 19q13.2.
Variant type: single nucleotide variant.
Coding change: c.2293G>T on transcript NM_181882.3 (MANE Select); coding-DNA position 2293, G replaced by T.
Protein change: p.Asp765Tyr; replaces aspartic acid 765 with tyrosine.
Molecular consequence: missense variant. On other transcripts: 3 prime UTR variant (1).
Genome position (GRCh38, 1-based): chr19:40,396,059, C>A on the plus strand (G>T on the coding strand, the complement: PRX is on the minus strand). VCF-style: chr19-40396059-C-A. GRCh37 (hg19) VCF-style: chr19-40901966-C-A.
Other names: c.*2498G>T (NM_020956.2); short protein forms D765Y.
Identifiers: ClinVar variation 568278 (VCV000568278.15), dbSNP rs541455813, ClinGen allele CA9444081.

ClinVar aggregate classification (germline): Uncertain significance. Review status: criteria provided, multiple submitters, no conflicts (2 of 4 stars). 4 submissions from 4 submitters: Uncertain significance (4). Last evaluated 2024-10-30.

Conditions:
Charcot-Marie-Tooth disease type 4. Also called: Charcot-Marie-Tooth disease, type IV; Charcot-Marie-Tooth, Type 4. Identifiers: Orphanet 64749, MedGen C4082197, MONDO:0018995.
Inborn genetic diseases. Identifiers: MedGen C0950123, MeSH D030342.
Charcot-Marie-Tooth disease. Also called: Charcot-Marie-Tooth Neuropathy; Charcot-Marie-Tooth Hereditary Neuropathy. Identifiers: Orphanet 166, MedGen C0007959, MONDO:0015626.

Allele frequency attached by ClinVar (database versions not stated): TOPMed 0.00003.
gnomAD v4.1: 73 of 1,614,034 alleles (0.0045%); highest among the groups gnomAD compares: Non-Finnish European, 0.0053%; no homozygotes.

Submissions (4):

Labcorp Genetics (formerly Invitae), Labcorp
Classification: Uncertain significance for Charcot-Marie-Tooth disease type 4. Last evaluated: 2024-10-30. Review status: criteria provided, single submitter. Criteria: Invitae Variant Classification Sherloc (09022015). Collection method: clinical testing. Allele origin: germline.
Comment: This sequence change replaces aspartic acid, which is acidic and polar, with tyrosine, which is neutral and polar, at codon 765 of the PRX protein (p.Asp765Tyr). This variant is present in population databases (rs541455813, gnomAD 0.005%). This missense change has been observed in individual(s) with Charcot-Marie-Tooth disease (PMID: 32376792). ClinVar contains an entry for this variant (Variation ID: 568278). Invitae Evidence Modeling of protein sequence and biophysical properties (such as structural, functional, and spatial information, amino acid conservation, physicochemical variation, residue mobility, and thermodynamic stability) indicates that this missense variant is not expected to disrupt PRX protein function with a negative predictive value of 80%. In summary, the available evidence is currently insufficient to determine the role of this variant in disease. Therefore, it has been classified as a Variant of Uncertain Significance.

Ambry Genetics
Classification: Uncertain significance for Inborn genetic diseases. Last evaluated: 2021-03-07. Review status: criteria provided, single submitter. Criteria: Ambry Variant Classification Scheme 2023. Collection method: clinical testing. Allele origin: germline.
Comment: The p.D765Y variant (also known as c.2293G>T), located in coding exon 4 of the PRX gene, results from a G to T substitution at nucleotide position 2293. The aspartic acid at codon 765 is replaced by tyrosine, an amino acid with highly dissimilar properties. This amino acid position is not well conserved in available vertebrate species. In addition, this alteration is predicted to be tolerated by in silico analysis. Since supporting evidence is limited at this time, the clinical significance of this alteration remains unclear.

Breakthrough Genomics
Classification: Uncertain significance. Review status: criteria provided, single submitter. Criteria: ACMG Guidelines, 2015. Collection method: not provided. Allele origin: germline. Inheritance: Autosomal dominant inheritance. Affected: yes.

Molecular Genetics Laboratory, London Health Sciences Centre
Classification: Uncertain significance for Charcot-Marie-Tooth disease. Review status: criteria provided, single submitter. Criteria: ACMG Guidelines, 2015. Collection method: clinical testing. Allele origin: germline. Affected: yes.

Literature cited by the submitters: PubMed 32376792 (cited by Labcorp Genetics (formerly Invitae), Labcorp).